The following is an entry in ClinVar:

ClinVar aggregate classification (germline): Conflicting classifications of pathogenicity. Review status: criteria provided, conflicting classifications (1 of 4 stars). 2 submissions from 2 submitters: Uncertain significance (1); Likely benign (1). Last evaluated 2026-04-01.

Allele frequency attached by ClinVar (database versions not stated): TOPMed 0.00012; gnomAD 0.00014 and 0.00016; ESP Exome Variant Server 0.00015; gnomAD exomes 0.00019; ExAC 0.00020.
gnomAD v4.1: 288 of 1,601,706 alleles (0.018%); highest among the groups gnomAD compares: Middle Eastern, 0.033%; no homozygotes.

Submissions (2):

CeGaT Center for Human Genetics Tuebingen
Classification: Likely benign. Last evaluated: 2026-04-01. Review status: criteria provided, single submitter. Criteria: CeGaT Center For Human Genetics Tuebingen Variant Classification Criteria Version 2. Collection method: clinical testing. Allele origin: germline. Affected: yes. Observed: 1 variant allele.
Comment: IL17RD: BP4, BS2

Labcorp Genetics (formerly Invitae), Labcorp
Classification: Uncertain significance. Last evaluated: 2024-04-15. Review status: criteria provided, single submitter. Criteria: Invitae Variant Classification Sherloc (09022015). Collection method: clinical testing. Allele origin: germline.
Comment: This sequence change replaces threonine, which is neutral and polar, with methionine, which is neutral and non-polar, at codon 649 of the IL17RD protein (p.Thr649Met). This variant is present in population databases (rs201420445, gnomAD 0.04%). This variant has not been reported in the literature in individuals affected with IL17RD-related conditions. ClinVar contains an entry for this variant (Variation ID: 1432607). Advanced modeling of protein sequence and biophysical properties (such as structural, functional, and spatial information, amino acid conservation, physicochemical variation, residue mobility, and thermodynamic stability) performed at Invitae indicates that this missense variant is not expected to disrupt IL17RD protein function with a negative predictive value of 80%. In summary, the available evidence is currently insufficient to determine the role of this variant in disease. Therefore, it has been classified as a Variant of Uncertain Significance.

NM_017563.5(IL17RD):c.1946C>T (p.Thr649Met)

Genes: IL17RD (interleukin 17 receptor D; minus strand), LOC126806689 (BRD4-independent group 4 enhancer GRCh37_chr3:57131244-57132443; plus strand). Cytogenetic location: 3p14.3.
Variant type: single nucleotide variant.
Coding change: c.1946C>T on transcript NM_017563.5 (MANE Select); coding-DNA position 1946, C replaced by T.
Protein change: p.Thr649Met; replaces threonine 649 with methionine.
Molecular consequence: missense variant.
Genome position (GRCh38, 1-based): chr3:57,097,757, G>A on the plus strand (C>T on the coding strand, the complement: IL17RD is on the minus strand). VCF-style: chr3-57097757-G-A. GRCh37 (hg19) VCF-style: chr3-57131785-G-A.
Other names: c.1514C>T, p.Thr505Met (NM_001318864.2); short protein forms T505M, T649M.
Identifiers: ClinVar variation 1432607 (VCV001432607.10), dbSNP rs201420445, ClinGen allele CA2462617.